The following is an entry in ClinVar:

ClinVar aggregate classification (germline): Uncertain significance (1 of 4 stars; one submission).

Conditions:
Periodontitis, aggressive. Identifiers: MedGen C0031106, MONDO:0980757.
Papillon-Lefèvre syndrome (PALS). Also called: KERATOSIS PALMOPLANTARIS WITH PERIODONTOPATHIA; Papillon-Lefevre Disease. Identifiers: Orphanet 678, MedGen C0030360, MONDO:0009490, OMIM 245000.
Haim-Munk syndrome (HMS). Also called: COCHIN JEWISH DISORDER; KERATOSIS PALMOPLANTARIS WITH PERIODONTOPATHIA AND ONYCHOGRYPOSIS. Identifiers: Orphanet 2342, MedGen C1855627, MONDO:0009491, OMIM 245010.

Allele frequency attached by ClinVar (database versions not stated): TOPMed 0.00001; ExAC 0.00004; gnomAD 0.00001; gnomAD exomes 0.00001.
gnomAD v4.1: 24 of 1,613,696 alleles (0.0015%); highest among the groups gnomAD compares: South Asian, 0.0088%; no homozygotes.

Submission:

Labcorp Genetics (formerly Invitae), Labcorp
Classification: Uncertain significance for Haim-Munk syndrome; Periodontitis, aggressive; Papillon-Lefèvre syndrome. Last evaluated: 2021-11-10. Review status: criteria provided, single submitter. Criteria: Invitae Variant Classification Sherloc (09022015). Collection method: clinical testing. Allele origin: germline.
Comment: This sequence change replaces asparagine, which is neutral and polar, with serine, which is neutral and polar, at codon 398 of the CTSC protein (p.Asn398Ser). This variant is present in population databases (rs748966025, gnomAD 0.01%). This variant has not been reported in the literature in individuals affected with CTSC-related conditions. Algorithms developed to predict the effect of missense changes on protein structure and function are either unavailable or do not agree on the potential impact of this missense change (SIFT: "Not Available"; PolyPhen-2: "Possibly Damaging"; Align-GVGD: "Not Available"). In summary, the available evidence is currently insufficient to determine the role of this variant in disease. Therefore, it has been classified as a Variant of Uncertain Significance.

NM_001814.6(CTSC):c.1193A>G (p.Asn398Ser)

Gene: CTSC (cathepsin C; minus strand). Cytogenetic location: 11q14.2.
Variant type: single nucleotide variant.
Coding change: c.1193A>G on transcript NM_001814.6 (MANE Select); coding-DNA position 1193, A replaced by G.
Protein change: p.Asn398Ser; replaces asparagine 398 with serine.
Molecular consequence: missense variant.
Genome position (GRCh38, 1-based): chr11:88,294,205, T>C on the plus strand (A>G on the coding strand, the complement: CTSC is on the minus strand). VCF-style: chr11-88294205-T-C. GRCh37 (hg19) VCF-style: chr11-88027373-T-C.
Other names: short protein forms N398S.
Identifiers: ClinVar variation 1488429 (VCV001488429.3), dbSNP rs748966025, ClinGen allele CA6219760.